The following is an entry in ClinVar:

NM_024642.5(GALNT12):c.-1C>T

Gene: GALNT12 (polypeptide N-acetylgalactosaminyltransferase 12; plus strand). Cytogenetic location: 9q22.33.
Variant type: single nucleotide variant.
Coding change: c.-1C>T on transcript NM_024642.5 (MANE Select); 1 bases upstream of the start codon, C replaced by T.
Molecular consequence: 5 prime UTR variant.
Genome position (GRCh38, 1-based): chr9:98,807,698, C>T. VCF-style: chr9-98807698-C-T. GRCh37 (hg19) VCF-style: chr9-101569980-C-T.
Identifiers: ClinVar variation 2586475 (VCV002586475.2), dbSNP rs1283851971, ClinGen allele CA589352271.

ClinVar aggregate classification (germline): Uncertain significance (1 of 4 stars; one submission).

Allele frequency attached by ClinVar (database versions not stated): gnomAD exomes below 0.00001.
gnomAD v4.1: 1 of 1,146,068 alleles (0.000087%); highest among the groups gnomAD compares: Non-Finnish European, 0.00011%; no homozygotes.

Submission:

Ambry Genetics
Classification: Uncertain significance. Last evaluated: 2023-09-11. Review status: criteria provided, single submitter. Criteria: Ambry Variant Classification Scheme 2023. Collection method: clinical testing. Allele origin: germline.
Comment: The c.-1C>T variant is located in the 5' untranslated region (5&rsquo; UTR) of the GALNT12 gene. This variant results from a C to T substitution 1 bases upstream from the first translated codon. This nucleotide position is well conserved in available vertebrate species. The evidence for this gene-disease relationship is limited; therefore, the clinical significance of this alteration is unclear.